The following is an entry in ClinVar:

ClinVar aggregate classification (germline): Pathogenic (1 of 4 stars; one submission).

Conditions:
Tuberous sclerosis 2 (TSC2). Identifiers: Orphanet 805, MedGen C1860707, MONDO:0013199, OMIM 613254.

Submission:

Oasi Research Institute-IRCCS
Classification: Pathogenic for Tuberous sclerosis 2. Review status: criteria provided, single submitter. Criteria: ACMG Guidelines, 2015. Collection method: research. Allele origin: de novo. Affected: yes.
Comment: The genomic variant c.4805_4806delAG creates a premature translational stop signal. It is expected to result in an protein truncation or nonsense mediated decay. Diverse tools classified the variant as pathogenic: BayesDel addAF; BayesDel noAF; EIGEN; FATHMM-XF; MutationTaster. ACMG criteria: PVS1 (LOF), PP4 (phenotype match), PM2 (absent from control), PP3 (in silico evidence), PS2 (de novo) = Pathogenic. Based on the evidence outlined above, the variant was classified as Pathogenic.

NM_000548.5(TSC2):c.4805_4806del (p.Glu1602fs)

Gene: TSC2 (TSC complex subunit 2; plus strand). Cytogenetic location: 16p13.3.
Variant type: Deletion.
Coding change: c.4805_4806del on transcript NM_000548.5 (MANE Select); coding-DNA positions 4805 to 4806, 2 bases deleted (AG; older notation c.4805_4806delAG).
Protein change: p.Glu1602fs; shifts the reading frame from glutamic acid 1602.
Molecular consequence: frameshift variant. On other transcripts: non-coding transcript variant (5).
Genome position (GRCh38, 1-based): chr16:2,086,335-2,086,336, AG deleted; deleting any 2 consecutive bases within chr16:2,086,334-2,086,336 gives the same sequence; the c. name uses the placement nearest the transcript's 3' end. VCF-style (leftmost placement, unchanged base first): chr16-2086333-TGA-T. GRCh37 (hg19) VCF-style: chr16-2136334-TGA-T.
Other names: c.4802_4803del, p.Glu1601fs (NM_001406663.1); c.4676_4677del, p.Glu1559fs (NM_001370405.1, NM_021055.3); c.4733_4734del, p.Glu1578fs (NM_001406664.1); c.4805_4806delAG (NM_000548.5); c.3263_3264del, p.Glu1088fs (NM_001406694.1, NM_001406692.1, NM_001406693.1); c.3260_3261del, p.Glu1087fs (NM_001406695.1, NM_001406696.1, NM_001406697.1); c.3002_3003del, p.Glu1001fs (NM_001406698.1); c.4604_4605del, p.Glu1535fs (NM_001077183.3); and 27 more; short protein forms E1001fs, E1087fs, E1088fs, E1110fs, E1111fs, E1131fs, E1335fs, E1336fs.
Identifiers: ClinVar variation 3777211 (VCV003777211.1).